The following is an entry in ClinVar:

NM_002860.4(ALDH18A1):c.*155G>A

Gene: ALDH18A1 (aldehyde dehydrogenase 18 family member A1; minus strand). Cytogenetic location: 10q24.1.
Variant type: single nucleotide variant.
Coding change: c.*155G>A on transcript NM_002860.4 (MANE Select); 155 bases downstream of the stop codon, G replaced by A.
Molecular consequence: 3 prime UTR variant.
Genome position (GRCh38, 1-based): chr10:95,606,607, C>T on the plus strand (G>A on the coding strand, the complement: ALDH18A1 is on the minus strand). VCF-style: chr10-95606607-C-T. GRCh37 (hg19) VCF-style: chr10-97366364-C-T.
Other names: c.*155G>A (NM_001017423.2, NM_001323412.2, NM_001323413.2 and 6 more transcripts).
Identifiers: ClinVar variation 301753 (VCV000301753.10), dbSNP rs1053905, ClinGen allele CA10636989.

ClinVar aggregate classification (germline): Benign. Review status: criteria provided, multiple submitters, no conflicts (2 of 4 stars). 4 submissions from 4 submitters: Benign (4). Last evaluated 2018-06-23.

Conditions:
ALDH18A1-related de Barsy syndrome. Also called: Cutis laxa, autosomal recessive IIIA; DE BARSY SYNDROME A. Identifiers: Orphanet 2962, Orphanet 35664, MedGen C5234852, MONDO:0009053, OMIM 219150.

Allele frequency attached by ClinVar (database versions not stated): 1000 Genomes Project 0.29792; 1000 Genomes Project 30x 0.30465; TOPMed 0.41617; gnomAD 0.41970 and 0.42481.
gnomAD v4.1: 782,059 of 1,579,346 alleles (50%); highest among the groups gnomAD compares: Admixed American, 55%; 203,729 homozygotes.

Submissions (4):

GeneDx
Classification: Benign. Last evaluated: 2018-06-23. Review status: criteria provided, single submitter. Criteria: GeneDx Variant Classification Process June 2021. Collection method: clinical testing. Allele origin: germline. Affected: yes.

Blueprint Genetics
Classification: Benign. Last evaluated: 2018-06-13. Review status: criteria provided, single submitter. Criteria: ACMG Guidelines, 2015. Collection method: clinical testing. Allele origin: germline.

Illumina Laboratory Services, Illumina
Classification: Benign for ALDH18A1-related de Barsy syndrome. Last evaluated: 2018-01-12. Review status: criteria provided, single submitter. Criteria: ICSL Variant Classification Criteria 13 December 2019. Collection method: clinical testing. Allele origin: germline.
Comment: This variant was observed in the ICSL laboratory as part of a predisposition screen in an ostensibly healthy population. It had not been previously curated by ICSL or reported in the Human Gene Mutation Database (HGMD: prior to June 1st, 2018), and was therefore a candidate for classification through an automated scoring system. Utilizing variant allele frequency, disease prevalence and penetrance estimates, and inheritance mode, an automated score was calculated to assess if this variant is too frequent to cause the disease. Based on the score and internal cut-off values, a variant classified as benign is not then subjected to further curation. The score for this variant resulted in a classification of benign for this disease.

Breakthrough Genomics
Classification: Benign. Review status: criteria provided, single submitter. Criteria: ACMG Guidelines, 2015. Collection method: not provided. Allele origin: germline. Inheritance: Autosomal recessive inheritance. Affected: yes.